The following is an entry in ClinVar:

ClinVar aggregate classification (germline): Benign (1 of 4 stars; one submission).

Conditions:
Juvenile polyposis/hereditary hemorrhagic telangiectasia syndrome (JPHT). Also called: JP/HHT SYNDROME; JUVENILE POLYPOSIS WITH HEREDITARY HEMORRHAGIC TELANGIECTASIA; POLYPOSIS, GENERALIZED JUVENILE, WITH PULMONARY ARTERIOVENOUS MALFORMATION; TELANGIECTASIA, HEREDITARY HEMORRHAGIC, WITH JUVENILE POLYPOSIS COLI; Juvenile Polyposis Syndrome / Hereditary Hemorrhagic Telangiectasia (JPS/HHT). Identifiers: Orphanet 2929, MedGen C1832942, MONDO:0008278, OMIM 175050.

Submission:

Myriad Genetics, Inc.
Classification: Benign for Juvenile polyposis/hereditary hemorrhagic telangiectasia syndrome. Last evaluated: 2025-03-18. Review status: criteria provided, single submitter. Criteria: Myriad Autosomal Dominant, Autosomal Recessive and X-Linked Classification Criteria (2023). Collection method: clinical testing. Allele origin: unknown.
Comment: This variant is considered benign. This variant is a silent/synonymous amino acid change and it is not expected to impact splicing.

NM_005359.6(SMAD4):c.222A>C (p.Ile74=)

Gene: SMAD4 (SMAD family member 4; plus strand). Cytogenetic location: 18q21.2.
Variant type: single nucleotide variant.
Coding change: c.222A>C on transcript NM_005359.6 (MANE Select); coding-DNA position 222, A replaced by C.
Protein change: p.Ile74=; no amino-acid change (isoleucine 74 retained).
Molecular consequence: synonymous variant. On other transcripts: non-coding transcript variant (2).
Genome position (GRCh38, 1-based): chr18:51,047,268, A>C. VCF-style: chr18-51047268-A-C. GRCh37 (hg19) VCF-style: chr18-48573638-A-C.
Other names: c.222A>C, p.Ile74= (NM_001407041.1, NM_001407042.1, NM_001407043.1).
Identifiers: ClinVar variation 3903766 (VCV003903766.1).